The following is an entry in ClinVar:

NM_020549.5(CHAT):c.989T>C (p.Phe330Ser)

Gene: CHAT (choline O-acetyltransferase; plus strand). Cytogenetic location: 10q11.23.
Variant type: single nucleotide variant.
Coding change: c.989T>C on transcript NM_020549.5 (MANE Select); coding-DNA position 989, T replaced by C.
Protein change: p.Phe330Ser; replaces phenylalanine 330 with serine.
Molecular consequence: missense variant.
Genome position (GRCh38, 1-based): chr10:49,627,663, T>C. VCF-style: chr10-49627663-T-C. GRCh37 (hg19) VCF-style: chr10-50835709-T-C.
Other names: c.635T>C, p.Phe212Ser (NM_001142929.2, NM_001142934.2, NM_020984.4 and 2 more transcripts); c.743T>C, p.Phe248Ser (NM_001142933.2); short protein forms F212S, F330S, F248S.
Identifiers: ClinVar variation 547967 (VCV000547967.6), dbSNP rs1554804021, ClinGen allele CA376731120.

ClinVar aggregate classification (germline): Uncertain significance. Review status: criteria provided, multiple submitters, no conflicts (2 of 4 stars). 2 submissions from 2 submitters: Uncertain significance (2). Last evaluated 2023-01-12.

Conditions:
Familial infantile myasthenia (CMS6). Also called: MYASTHENIC SYNDROME, CONGENITAL, 6, PRESYNAPTIC; MYASTHENIC SYNDROME, PRESYNAPTIC, CONGENITAL, ASSOCIATED WITH EPISODIC APNEA; Congenital myasthenic syndrome type 6. Identifiers: Orphanet 590, MedGen C0393929, MONDO:0009689, OMIM 254210.
CHAT-related disorder. Also called: CHAT-related condition.

Submissions (2):

PreventionGenetics, part of Exact Sciences
Classification: Uncertain significance for CHAT-related condition. Last evaluated: 2023-01-12. Review status: criteria provided, single submitter. Criteria: ACMG Guidelines, 2015. Collection method: clinical testing. Allele origin: germline.
Comment: The CHAT c.989T>C variant is predicted to result in the amino acid substitution p.Phe330Ser. This variant was reported in the compound heterozygous state an individual with multisystem features consistent with a CHAT-related disorder (Table S2. Klee et al 2021. PubMed ID: 33144682). This variant has not been reported in a large population database, indicating this variant is rare. Although we suspect that this variant may be pathogenic, at this time, the clinical significance of this variant is uncertain due to the absence of conclusive functional and genetic evidence.

Mayo Clinic Laboratories, Mayo Clinic
Classification: Uncertain significance for Familial infantile myasthenia. Last evaluated: 2017-04-14. Review status: criteria provided, single submitter. Criteria: ACMG Guidelines, 2015. Collection method: clinical testing. Allele origin: maternal.